The following is an entry in ClinVar:

NM_021956.5(GRIK2):c.2288G>C (p.Gly763Ala)

Gene: GRIK2 (glutamate ionotropic receptor kainate type subunit 2; plus strand). Cytogenetic location: 6q16.3.
Variant type: single nucleotide variant.
Coding change: c.2288G>C on transcript NM_021956.5 (MANE Select); coding-DNA position 2288, G replaced by C.
Protein change: p.Gly763Ala; replaces glycine 763 with alanine.
Molecular consequence: missense variant.
Genome position (GRCh38, 1-based): chr6:102,035,543, G>C. VCF-style: chr6-102035543-G-C. GRCh37 (hg19) VCF-style: chr6-102483418-G-C.
Other names: c.2288G>C, p.Gly763Ala (NM_001166247.1, NM_175768.3); short protein forms G763A.
Identifiers: ClinVar variation 4745081 (VCV004745081.1).
Genomic context (GRCh38, chr6:102,035,543, plus strand): 5'-AGTTTGTTACCCAGCGGAACTGTAACCTGACACAGATTGGCGGCCTTATAGACTCTAAAG[G>C]TTATGGCGTTGGCACTCCCATGGGTAGGTTATATGTCAGCTCTTTGTTCTTTGTTCATTA-3'
Protein context (NP_068775.1, residues 753-773): TQIGGLIDSK[Gly763Ala]YGVGTPMGSP

ClinVar aggregate classification (germline): Uncertain significance (1 of 4 stars; one submission).

Submission:

Labcorp Genetics (formerly Invitae), Labcorp
Classification: Uncertain significance. Last evaluated: 2025-05-19. Review status: criteria provided, single submitter. Criteria: Invitae Variant Classification Sherloc (09022015). Collection method: clinical testing. Allele origin: germline.
Comment: This sequence change replaces glycine, which is neutral and non-polar, with alanine, which is neutral and non-polar, at codon 763 of the GRIK2 protein (p.Gly763Ala). This variant is not present in population databases (gnomAD no frequency). This variant has not been reported in the literature in individuals affected with GRIK2-related conditions. Invitae Evidence Modeling of protein sequence and biophysical properties (such as structural, functional, and spatial information, amino acid conservation, physicochemical variation, residue mobility, and thermodynamic stability) indicates that this missense variant is not expected to disrupt GRIK2 protein function with a negative predictive value of 80%. In summary, the available evidence is currently insufficient to determine the role of this variant in disease. Therefore, it has been classified as a Variant of Uncertain Significance.